The following is an entry in ClinVar:

ClinVar aggregate classification (germline): Uncertain significance (1 of 4 stars; one submission).

Conditions:
Cohen syndrome (COH1). Also called: PEPPER SYNDROME; Cutis verticis gyrata, retinitis pigmentosa, and sensorineural deafness. Identifiers: Orphanet 193, MedGen C0265223, MONDO:0008999, OMIM 216550.

Allele frequency attached by ClinVar (database versions not stated): TOPMed below 0.00001; gnomAD exomes 0.00002; ExAC 0.00003.
gnomAD v4.1: 33 of 1,614,140 alleles (0.002%); highest among the groups gnomAD compares: Non-Finnish European, 0.0027%; no homozygotes.

Submission:

Labcorp Genetics (formerly Invitae), Labcorp
Classification: Uncertain significance for Cohen syndrome. Last evaluated: 2022-05-14. Review status: criteria provided, single submitter. Criteria: Invitae Variant Classification Sherloc (09022015). Collection method: clinical testing. Allele origin: germline.
Comment: This sequence change replaces alanine, which is neutral and non-polar, with threonine, which is neutral and polar, at codon 3765 of the VPS13B protein (p.Ala3765Thr). This variant is present in population databases (rs749392832, gnomAD 0.004%). This variant has not been reported in the literature in individuals affected with VPS13B-related conditions. ClinVar contains an entry for this variant (Variation ID: 664625). Algorithms developed to predict the effect of missense changes on protein structure and function are either unavailable or do not agree on the potential impact of this missense change (SIFT: "Not Available"; PolyPhen-2: "Benign"; Align-GVGD: "Not Available"). In summary, the available evidence is currently insufficient to determine the role of this variant in disease. Therefore, it has been classified as a Variant of Uncertain Significance.

NM_152564.5(VPS13B):c.11218G>A (p.Ala3740Thr)

Gene: VPS13B (vacuolar protein sorting 13 homolog B; plus strand). Cytogenetic location: 8q22.2.
Variant type: single nucleotide variant.
Coding change: c.11218G>A on transcript NM_152564.5 (MANE Select); coding-DNA position 11218, G replaced by A.
Protein change: p.Ala3740Thr; replaces alanine 3740 with threonine.
Molecular consequence: missense variant.
Genome position (GRCh38, 1-based): chr8:99,868,291, G>A. VCF-style: chr8-99868291-G-A. GRCh37 (hg19) VCF-style: chr8-100880519-G-A.
Other names: c.11293G>A, p.Ala3765Thr (NM_017890.5); short protein forms A3740T, A3765T.
Identifiers: ClinVar variation 664625 (VCV000664625.3), dbSNP rs749392832, ClinGen allele CA4825187.